The following is an entry in ClinVar:

ClinVar aggregate classification (germline): Uncertain significance (1 of 4 stars; one submission).

Conditions:
Peroxisome biogenesis disorder. Identifiers: Orphanet 79189, MedGen C1832200, MONDO:0019234. Disease mechanism: loss of function.

Allele frequency attached by ClinVar (database versions not stated): gnomAD exomes 0.00001 and 0.00002; ExAC 0.00002; gnomAD 0.00002; TOPMed 0.00003; ESP Exome Variant Server 0.00008.
gnomAD v4.1: 7 of 1,614,086 alleles (0.00043%); highest among the groups gnomAD compares: Admixed American, 0.005%; no homozygotes.

Submission:

Labcorp Genetics (formerly Invitae), Labcorp
Classification: Uncertain significance for Peroxisome biogenesis disorder. Last evaluated: 2022-02-05. Review status: criteria provided, single submitter. Criteria: Invitae Variant Classification Sherloc (09022015). Collection method: clinical testing. Allele origin: germline.
Comment: This sequence change replaces valine, which is neutral and non-polar, with methionine, which is neutral and non-polar, at codon 242 of the PEX6 protein (p.Val242Met). This variant is present in population databases (rs368915893, gnomAD 0.01%). This variant has not been reported in the literature in individuals affected with PEX6-related conditions. Algorithms developed to predict the effect of missense changes on protein structure and function output the following: SIFT: "Tolerated"; PolyPhen-2: "Benign"; Align-GVGD: "Class C0". The methionine amino acid residue is found in multiple mammalian species, which suggests that this missense change does not adversely affect protein function. In summary, the available evidence is currently insufficient to determine the role of this variant in disease. Therefore, it has been classified as a Variant of Uncertain Significance.

NM_000287.4(PEX6):c.724G>A (p.Val242Met)

Gene: PEX6 (peroxisomal biogenesis factor 6; minus strand). Cytogenetic location: 6p21.1.
Variant type: single nucleotide variant.
Coding change: c.724G>A on transcript NM_000287.4 (MANE Select); coding-DNA position 724, G replaced by A.
Protein change: p.Val242Met; replaces valine 242 with methionine.
Molecular consequence: missense variant. On other transcripts: non-coding transcript variant (1), intron variant (1).
Genome position (GRCh38, 1-based): chr6:42,978,427, C>T on the plus strand (G>A on the coding strand, the complement: PEX6 is on the minus strand). VCF-style: chr6-42978427-C-T. GRCh37 (hg19) VCF-style: chr6-42946165-C-T.
Other names: c.618+106G>A (NM_001316313.2); short protein forms V242M.
Identifiers: ClinVar variation 1436704 (VCV001436704.5), dbSNP rs368915893, ClinGen allele CA3811579.
Genomic context (GRCh38, chr6:42,978,427, plus strand): 5'-GCGGTCCAGAGCCGGGTCCCAGTCTATCAGAGAGGTCCCAGCGAGGTTCTAGGACCTGCA[C>T]CCTAGCCAAGTGCGGCTGTGAAGTGTTCGATGACTCTCTGGCCTGGGCCACCCACACCCA-3'
Protein context (NP_000278.3, residues 232-252): SNTSQPHLAR[Val242Met]QVLEPRWDLS